The following is an entry in ClinVar:

NM_001276345.2(TNNT2):c.720-9C>A

Gene: TNNT2 (troponin T2, cardiac type; minus strand). Cytogenetic location: 1q32.1.
Variant type: single nucleotide variant.
Coding change: c.720-9C>A on transcript NM_001276345.2 (MANE Select); 9 bases into the intron before coding-DNA position 720, C replaced by A.
Molecular consequence: intron variant.
Genome position (GRCh38, 1-based): chr1:201,361,378, G>T on the plus strand (C>A on the coding strand, the complement: TNNT2 is on the minus strand). VCF-style: chr1-201361378-G-T. GRCh37 (hg19) VCF-style: chr1-201330506-G-T.
Other names: c.672-9C>A (NM_001001432.3); c.681-9C>A (NM_001001431.3); c.690-9C>A (NM_001001430.3, NM_001276347.2); c.591-9C>A (NM_001276346.2); c.711-9C>A (NM_000364.4).
Identifiers: ClinVar variation 294894 (VCV000294894.21), dbSNP rs763204242, ClinGen allele CA089174.
Genomic context (GRCh38, chr1:201,361,378, plus strand): 5'-CTTCTCTGCCTCCAAGTTATAGATGCTCTGCCACAGCTCCTTGGCCTTCTCCCTGCACGG[G>T]CAAGGGTGAGAATGGGGAGGTCCAGTAAGAAAGGGCCCTCCTGGGCCTCCGTCCTGGTCC-3'

ClinVar aggregate classification (germline): Conflicting classifications of pathogenicity. Review status: criteria provided, conflicting classifications (1 of 4 stars). 7 submissions from 5 submitters: Uncertain significance (3); Likely benign (4). Last evaluated 2025-12-31.

Conditions:
Cardiomyopathy, familial restrictive, 3. Identifiers: Orphanet 75249, MedGen C2676271, MONDO:0012900, OMIM 612422.
Hypertrophic cardiomyopathy 2. Also called: TNNT2-Related Familial Hypertrophic Cardiomyopathy. Identifiers: MedGen C1861864, MONDO:0007266, OMIM 115195.
TNNT2-related disorder. Also called: TNNT2-related condition.
Dilated cardiomyopathy 1D. Identifiers: Orphanet 154, Orphanet 54260, MedGen C1832243, MONDO:0011095, OMIM 601494.
Cardiomyopathy (CMYO). Also called: Cardiomyopathies. Identifiers: Orphanet 167848, MedGen C0878544, MONDO:0004994, HP:0001638. Inheritance: Various modes of inheritance.

Allele frequency attached by ClinVar (database versions not stated): TOPMed below 0.00001; gnomAD 0.00001; gnomAD exomes 0.00001.
gnomAD v4.1: 12 of 1,612,706 alleles (0.00074%); highest among the groups gnomAD compares: Admixed American, 0.017%; no homozygotes.

Submissions (7):

Labcorp Genetics (formerly Invitae), Labcorp
Classification: Likely benign for Cardiomyopathy, familial restrictive, 3; Hypertrophic cardiomyopathy 2; Dilated cardiomyopathy 1D. Last evaluated: 2025-12-31. Review status: criteria provided, single submitter. Criteria: Invitae Variant Classification Sherloc (09022015). Collection method: clinical testing. Allele origin: germline.

PreventionGenetics, part of Exact Sciences
Classification: Likely benign for TNNT2-related condition. Last evaluated: 2025-09-17. Review status: criteria provided, single submitter. Criteria: ACMG Guidelines, 2015. Collection method: clinical testing. Allele origin: germline.
Comment: This variant is classified as likely benign based on ACMG/AMP sequence variant interpretation guidelines (Richards et al. 2015 PMID: 25741868, with internal and published modifications).

All of Us Research Program, National Institutes of Health
Classification: Likely benign for Cardiomyopathy. Last evaluated: 2024-06-17. Review status: criteria provided, single submitter. Criteria: ACMG Guidelines, 2015. Collection method: clinical testing. Allele origin: germline. Inheritance: Autosomal dominant inheritance. Observed: 9 variant alleles, 9 heterozygotes.
Comment: This study involves interpretation of variants in research participants for the purpose of population health screening. Participant phenotype was not available at the time of variant classification. Additional details can be found in publication PMID: 35346344, PMCID: PMC8962531

Color Diagnostics, LLC DBA Color Health
Classification: Likely benign for Cardiomyopathy. Last evaluated: 2024-04-05. Review status: criteria provided, single submitter. Criteria: ACMG Guidelines, 2015. Collection method: clinical testing. Allele origin: germline.

Illumina Laboratory Services, Illumina
Classification: Uncertain significance for Cardiomyopathy, familial restrictive, 3. Last evaluated: 2018-01-13. Review status: criteria provided, single submitter. Criteria: ICSL Variant Classification Criteria 13 December 2019. Collection method: clinical testing. Allele origin: germline.

Illumina Laboratory Services, Illumina
Classification: Uncertain significance for Dilated cardiomyopathy 1D. Last evaluated: 2018-01-13. Review status: criteria provided, single submitter. Criteria: ICSL Variant Classification Criteria 13 December 2019. Collection method: clinical testing. Allele origin: germline.

Illumina Laboratory Services, Illumina
Classification: Uncertain significance for Hypertrophic cardiomyopathy 2. Last evaluated: 2018-01-13. Review status: criteria provided, single submitter. Criteria: ICSL Variant Classification Criteria 13 December 2019. Collection method: clinical testing. Allele origin: germline.